The following is an entry in ClinVar:

ClinVar aggregate classification (germline): Uncertain significance (1 of 4 stars; one submission).

Conditions:
Familial thoracic aortic aneurysm and aortic dissection (TAAD). Also called: Thoracic aortic aneurysms and dissections. Identifiers: Orphanet 91387, MedGen C4707243, MONDO:0019625.

Submission:

Color Diagnostics, LLC DBA Color Health
Classification: Uncertain significance for Familial thoracic aortic aneurysm and aortic dissection. Last evaluated: 2023-08-30. Review status: criteria provided, single submitter. Criteria: ACMG Guidelines, 2015. Collection method: clinical testing. Allele origin: germline.
Comment: This variant deletes 8 nucleotides in exon 10 of the MYH11 gene, creating a frameshift and premature translation stop signal. This variant is expected to result in an absent or non-functional protein product. To our knowledge, this variant has not been reported in individuals affected with MYH11-related disorders in the literature. This variant has not been identified in the general population by the Genome Aggregation Database (gnomAD). Clinical relevance of loss-of-function MYH11 truncation variants in autosomal dominant cardiovascular disorders is not clearly established. The available evidence is insufficient to determine the role of this variant in disease conclusively. Therefore, this variant is classified as a Variant of Uncertain Significance.

NM_002474.3(MYH11):c.964_969delinsCA (p.Asp322fs)

Gene: MYH11 (myosin heavy chain 11; minus strand). Cytogenetic location: 16p13.11.
Variant type: Indel.
Coding change: c.964_969delinsCA on transcript NM_002474.3 (MANE Select); coding-DNA positions 964 to 969, GATGAT replaced by CA.
Protein change: p.Asp322fs; shifts the reading frame from aspartic acid 322.
Molecular consequence: frameshift variant.
Genome position (GRCh38, 1-based): chr16:15,771,633-15,771,638, ATCATC replaced by TG on the plus strand (GATGAT replaced by CA on the coding strand, the reverse complement: MYH11 is on the minus strand). VCF-style: chr16-15771633-ATCATC-TG. GRCh37 (hg19) VCF-style: chr16-15865490-ATCATC-TG.
Other names: c.985_990delinsCA, p.Asp329fs (NM_001040113.2, NM_001040114.2); c.964_969delinsCA, p.Asp322fs (NM_022844.3); short protein forms D322fs, D329fs.
Identifiers: ClinVar variation 2773863 (VCV002773863.2), dbSNP rs2506504291, ClinGen allele CA2697555680.
Genomic context (GRCh38, chr16:15,771,633, plus strand): 5'-CTGCTCCTCCTCGCTGAAACCCATGATTGCCATGGCCTCCACGGTTTCCTGGAACATCTC[ATCATC>TG]CTGGGCTGCTGGGATGGGCACAAAGCCATTGGAGAGGAAGGTGTAGTTGTTGAAGCCCTC-3'